The following is an entry in ClinVar:

ClinVar aggregate classification (germline): Conflicting classifications of pathogenicity. Review status: criteria provided, conflicting classifications (1 of 4 stars). 4 submissions from 4 submitters: Uncertain significance (3); Likely benign (1). Last evaluated 2025-04-12.

Conditions:
Hereditary breast ovarian cancer syndrome. Also called: Hereditary breast and ovarian cancer syndrome; BRCA1- and BRCA2-Associated Hereditary Breast and Ovarian Cancer; Breast and ovarian cancer; Hereditary breast and/or ovarian cancer syndrome; Hereditary breast and ovarian cancer; Hereditary breast and ovarian cancer syndrome (HBOC). Identifiers: Orphanet 145, MedGen C0677776, MeSH D061325, MONDO:0003582. Disease mechanism: loss of function.
Hereditary cancer-predisposing syndrome. Also called: Neoplastic Syndromes, Hereditary; Tumor predisposition; Hereditary Cancer Syndrome; Hereditary neoplastic syndrome. Identifiers: Orphanet 140162, MedGen C0027672, MeSH D009386, MONDO:0015356.

gnomAD v4.1: 1 of 1,613,888 alleles (0.000062%); no homozygotes.

Submissions (4):

Ambry Genetics
Classification: Uncertain significance for Hereditary cancer-predisposing syndrome. Last evaluated: 2025-04-12. Review status: criteria provided, single submitter. Criteria: Ambry Variant Classification Scheme 2023. Collection method: clinical testing. Allele origin: germline.
Comment: The p.D1909N variant (also known as c.5725G>A), located in coding exon 10 of the BRCA2 gene, results from a G to A substitution at nucleotide position 5725. The aspartic acid at codon 1909 is replaced by asparagine, an amino acid with highly similar properties. This amino acid position is poorly conserved in available vertebrate species. In addition, this alteration is predicted to be tolerated by in silico analysis. Since supporting evidence is limited at this time, the clinical significance of this alteration remains unclear.

Color Diagnostics, LLC DBA Color Health
Classification: Uncertain significance for Hereditary cancer-predisposing syndrome. Last evaluated: 2024-06-04. Review status: criteria provided, single submitter. Criteria: ACMG Guidelines, 2015. Collection method: clinical testing. Allele origin: germline.
Comment: This missense variant replaces aspartic acid with asparagine at codon 1909 of the BRCA2 protein. Computational prediction suggests that this variant may not impact protein structure and function. To our knowledge, functional studies have not been reported for this variant. This variant has not been reported in individuals affected with BRCA2-related disorders in the literature. This variant has not been identified in the general population by the Genome Aggregation Database (gnomAD). The available evidence is insufficient to determine the role of this variant in disease conclusively. Therefore, this variant is classified as a Variant of Uncertain Significance.

Labcorp Genetics (formerly Invitae), Labcorp
Classification: Uncertain significance for Hereditary breast ovarian cancer syndrome. Last evaluated: 2024-05-19. Review status: criteria provided, single submitter. Criteria: Invitae Variant Classification Sherloc (09022015). Collection method: clinical testing. Allele origin: germline.
Comment: This sequence change replaces aspartic acid, which is acidic and polar, with asparagine, which is neutral and polar, at codon 1909 of the BRCA2 protein (p.Asp1909Asn). This variant is not present in population databases (gnomAD no frequency). This variant has not been reported in the literature in individuals affected with BRCA2-related conditions. ClinVar contains an entry for this variant (Variation ID: 233901). Advanced modeling of protein sequence and biophysical properties (such as structural, functional, and spatial information, amino acid conservation, physicochemical variation, residue mobility, and thermodynamic stability) performed at Invitae indicates that this missense variant is not expected to disrupt BRCA2 protein function with a negative predictive value of 95%. In summary, the available evidence is currently insufficient to determine the role of this variant in disease. Therefore, it has been classified as a Variant of Uncertain Significance.

University of Washington Department of Laboratory Medicine, University of Washington
Classification: Likely benign for Hereditary cancer-predisposing syndrome. Last evaluated: 2023-03-23. Review status: criteria provided, single submitter. Criteria: Dines et al. (Genet Med. 2020). Collection method: curation. Allele origin: germline.
Comment: Missense variant in a coldspot region where missense variants are very unlikely to be pathogenic (PMID:31911673).

BRCA2 exon 11 coldspot. Reclassification based on statistical prior probability.

NM_000059.4(BRCA2):c.5725G>A (p.Asp1909Asn)

Gene: BRCA2 (BRCA2 DNA repair associated; plus strand). Cytogenetic location: 13q13.1.
Variant type: single nucleotide variant.
Coding change: c.5725G>A on transcript NM_000059.4 (MANE Select); coding-DNA position 5725, G replaced by A.
Protein change: p.Asp1909Asn; replaces aspartic acid 1909 with asparagine.
Molecular consequence: missense variant.
Genome position (GRCh38, 1-based): chr13:32,340,080, G>A. VCF-style: chr13-32340080-G-A. GRCh37 (hg19) VCF-style: chr13-32914217-G-A.
Other names: short protein forms D1909N.
Identifiers: ClinVar variation 233901 (VCV000233901.18), dbSNP rs764827027, ClinGen allele CA10579668.